The following is an entry in ClinVar:

ClinVar aggregate classification (germline): Conflicting classifications of pathogenicity. Review status: criteria provided, conflicting classifications (1 of 4 stars). 6 submissions from 6 submitters: Uncertain significance (1); Benign (1); Likely benign (4). Last evaluated 2025-12-15.

Conditions:
Breast-ovarian cancer, familial, susceptibility to, 5 (BROVCA5). Identifiers: MedGen C5830615, MONDO:0957530, OMIM 620442.
Hereditary cancer-predisposing syndrome. Also called: Hereditary Cancer Syndrome; Tumor predisposition; Neoplastic Syndromes, Hereditary; Hereditary neoplastic syndrome. Identifiers: Orphanet 140162, MedGen C0027672, MeSH D009386, MONDO:0015356.
Familial cancer of breast. Also called: hereditary breast carcinoma; BREAST CANCER, FAMILIAL; Hereditary breast cancer. Identifiers: Orphanet 227535, MedGen C0346153, MONDO:0016419, OMIM 114480. Disease mechanism: loss of function.

Allele frequency attached by ClinVar (database versions not stated): gnomAD exomes below 0.00001.
gnomAD v4.1: 1 of 1,614,038 alleles (0.000062%); highest among the groups gnomAD compares: East Asian, 0.0022%; no homozygotes.

Submissions (6):

Labcorp Genetics (formerly Invitae), Labcorp
Classification: Likely benign for Familial cancer of breast. Last evaluated: 2025-12-15. Review status: criteria provided, single submitter. Criteria: Invitae Variant Classification Sherloc (09022015). Collection method: clinical testing. Allele origin: germline.

Myriad Genetics, Inc.
Classification: Benign for Familial cancer of breast. Last evaluated: 2025-01-10. Review status: criteria provided, single submitter. Criteria: Myriad Autosomal Dominant, Autosomal Recessive and X-Linked Classification Criteria (2023). Collection method: clinical testing. Allele origin: unknown.
Comment: This variant is considered benign. This variant is a silent/synonymous amino acid change and it is not expected to impact splicing.

Ambry Genetics
Classification: Likely benign for Hereditary cancer-predisposing syndrome. Last evaluated: 2023-09-22. Review status: criteria provided, single submitter. Criteria: Ambry Variant Classification Scheme 2023. Collection method: clinical testing. Allele origin: germline.

Color Diagnostics, LLC DBA Color Health
Classification: Likely benign for Hereditary cancer-predisposing syndrome. Last evaluated: 2023-04-01. Review status: criteria provided, single submitter. Criteria: ACMG Guidelines, 2015. Collection method: clinical testing. Allele origin: germline.

Department of Pathology and Laboratory Medicine, Sinai Health System
Classification: Uncertain significance for Breast-ovarian cancer, familial, susceptibility to, 5. Last evaluated: 2022-10-31. Review status: criteria provided, single submitter. Criteria: ACMG Guidelines, 2015. Collection method: clinical testing. Allele origin: germline. Affected: yes.

Quest Diagnostics Nichols Institute San Juan Capistrano
Classification: Likely benign. Last evaluated: 2021-06-18. Review status: criteria provided, single submitter. Criteria: Quest Diagnostics criteria. Collection method: clinical testing. Allele origin: unknown.

NM_024675.4(PALB2):c.477G>A (p.Glu159=)

Gene: PALB2 (partner and localizer of BRCA2; minus strand). Cytogenetic location: 16p12.2.
Variant type: single nucleotide variant.
Coding change: c.477G>A on transcript NM_024675.4 (MANE Select); coding-DNA position 477, G replaced by A.
Protein change: p.Glu159=; no amino-acid change (glutamic acid 159 retained).
Molecular consequence: synonymous variant.
Genome position (GRCh38, 1-based): chr16:23,636,069, C>T on the plus strand (G>A on the coding strand, the complement: PALB2 is on the minus strand). VCF-style: chr16-23636069-C-T. GRCh37 (hg19) VCF-style: chr16-23647390-C-T.
Identifiers: ClinVar variation 1537623 (VCV001537623.15), dbSNP rs1163253431, ClinGen allele CA494461950.